The following is an entry in ClinVar:

ClinVar aggregate classification (germline): Pathogenic (1 of 4 stars; one submission).

Submission:

Labcorp Genetics (formerly Invitae), Labcorp
Classification: Pathogenic. Last evaluated: 2024-02-23. Review status: criteria provided, single submitter. Criteria: Invitae Variant Classification Sherloc (09022015). Collection method: clinical testing. Allele origin: germline.
Comment: This sequence change creates a premature translational stop signal (p.Ser354*) in the TET2 gene. It is expected to result in an absent or disrupted protein product. Loss-of-function variants in TET2 are known to be pathogenic (PMID: 36066697). This variant is present in population databases (no rsID available, gnomAD 0.003%). This variant has not been reported in the literature in individuals affected with TET2-related conditions. For these reasons, this variant has been classified as Pathogenic.

Literature cited by the submitters: PubMed 36066697.

NM_001127208.3(TET2):c.1061del (p.Cys353_Ser354insTer)

Genes: TET2 (tet methylcytosine dioxygenase 2; plus strand), TET2-AS1 (TET2 antisense RNA 1; minus strand). Cytogenetic location: 4q24.
Variant type: Deletion.
Coding change: c.1061del on transcript NM_001127208.3 (MANE Select); coding-DNA position 1061, one base deleted (C; older notation c.1061delC).
Protein change: p.Cys353_Ser354insTer.
Molecular consequence: nonsense.
Genome position (GRCh38, 1-based): chr4:105,235,003, C deleted. VCF-style (leftmost placement, unchanged base first): chr4-105235002-TC-T. GRCh37 (hg19) VCF-style: chr4-106156159-TC-T.
Other names: c.1061del, p.Cys353_Ser354insTer (NM_017628.4).
Identifiers: ClinVar variation 3641480 (VCV003641480.2).
Genomic context (GRCh38, chr4:105,235,002, plus strand): 5'-TCTCCTGCAGAAAATAACATCCAGGGAACCACAAAGCTAGCGTCTGGTGAAGAATTCTGT[TC>T]AGGTTCCAGCAGCAATTTGCAAGCTCCTGGTGGCAGCTCTGAACGGTATTTAAAACAAAA-3'